The following is an entry in ClinVar:

NM_001042750.2(STAG2):c.1923T>A (p.Asn641Lys)

Gene: STAG2 (STAG2 cohesin complex component; plus strand). Cytogenetic location: Xq25.
Variant type: single nucleotide variant.
Coding change: c.1923T>A on transcript NM_001042750.2 (MANE Select); coding-DNA position 1923, T replaced by A.
Protein change: p.Asn641Lys; replaces asparagine 641 with lysine.
Molecular consequence: missense variant.
Genome position (GRCh38, 1-based): chrX:124,063,949, T>A. VCF-style: chrX-124063949-T-A. GRCh37 (hg19) VCF-style: chrX-123197799-T-A.
Other names: c.1923T>A, p.Asn641Lys (NM_001375377.1, NM_006603.5, NM_001042749.2 and 13 more transcripts); short protein forms N641K.
Identifiers: ClinVar variation 2581835 (VCV002581835.2), dbSNP rs1447770328, ClinGen allele CA414272833.

ClinVar aggregate classification (germline): Uncertain significance (1 of 4 stars; one submission).

Submission:

GeneDx
Classification: Uncertain significance. Last evaluated: 2025-03-03. Review status: criteria provided, single submitter. Criteria: GeneDx Variant Classification Process June 2021. Collection method: clinical testing. Allele origin: germline. Affected: yes.
Comment: Not observed at significant frequency in large population cohorts (gnomAD); In silico analysis indicates that this missense variant does not alter protein structure/function; Has not been previously published as pathogenic or benign to our knowledge